The following is an entry in ClinVar:

NM_032040.5(CCDC8):c.884del (p.Gln295fs)

Gene: CCDC8 (coiled-coil domain containing 8 subunit of 3M complex; minus strand). Cytogenetic location: 19q13.32.
Variant type: Deletion.
Coding change: c.884del on transcript NM_032040.5 (MANE Select); coding-DNA position 884, one base deleted (A; older notation c.884delA).
Protein change: p.Gln295fs; shifts the reading frame from glutamine 295.
Molecular consequence: frameshift variant.
Genome position (GRCh38, 1-based): chr19:46,411,927, T deleted on the plus strand (A on the coding strand, the reverse complement: CCDC8 is on the minus strand). VCF-style (leftmost placement, unchanged base first): chr19-46411926-CT-C. GRCh37 (hg19) VCF-style: chr19-46915183-CT-C.
Other names: c.884delA (NM_032040.5); short protein forms Q295fs.
Identifiers: ClinVar variation 4847978 (VCV004847978.1).

ClinVar aggregate classification (germline): Uncertain significance (1 of 4 stars; one submission).

Submission:

Women's Health and Genetics/Laboratory Corporation of America, LabCorp
Classification: Uncertain significance. Last evaluated: 2026-02-09. Review status: criteria provided, single submitter. Criteria: LabCorp Variant Classification Summary - May 2015. Collection method: clinical testing. Allele origin: germline.
Comment: Variant summary: CCDC8 c.884delA (p.Gln295ArgfsX14) results in a premature termination codon, predicted to cause a truncation of the encoded protein or absence of the protein due to nonsense mediated decay, however current evidence is not sufficient to establish loss of function as a mechanism for disease. The variant allele was found at a frequency of 3.2e-05 in 249572 control chromosomes. The available data on variant occurrences in the general population are insufficient to allow any conclusion about variant significance. To our knowledge, no occurrence of c.884delA in individuals affected with CCDC8-related conditions and no experimental evidence demonstrating its impact on protein function have been reported. No submitters have cited clinical-significance assessments for this variant to ClinVar. Based on the evidence outlined above, the variant was classified as uncertain significance.